The following is an entry in ClinVar:

NM_173689.7(CRB2):c.371G>A (p.Arg124His)

Gene: CRB2 (crumbs cell polarity complex component 2; plus strand). Cytogenetic location: 9q33.3.
Variant type: single nucleotide variant.
Coding change: c.371G>A on transcript NM_173689.7 (MANE Select); coding-DNA position 371, G replaced by A.
Protein change: p.Arg124His; replaces arginine 124 with histidine.
Molecular consequence: missense variant.
Genome position (GRCh38, 1-based): chr9:123,363,141, G>A. VCF-style: chr9-123363141-G-A. GRCh37 (hg19) VCF-style: chr9-126125420-G-A.
Other names: short protein forms R124H.
Identifiers: ClinVar variation 1904630 (VCV001904630.5), dbSNP rs1350303666, ClinGen allele CA374854271.

ClinVar aggregate classification (germline): Uncertain significance (1 of 4 stars; one submission).

Allele frequency attached by ClinVar (database versions not stated): gnomAD exomes below 0.00001; TOPMed below 0.00001.
gnomAD v4.1: 5 of 1,610,806 alleles (0.00031%); highest among the groups gnomAD compares: East Asian, 0.0022%; no homozygotes.

Submission:

Labcorp Genetics (formerly Invitae), Labcorp
Classification: Uncertain significance. Last evaluated: 2025-08-21. Review status: criteria provided, single submitter. Criteria: Invitae Variant Classification Sherloc (09022015). Collection method: clinical testing. Allele origin: germline.
Comment: This sequence change replaces arginine, which is basic and polar, with histidine, which is basic and polar, at codon 124 of the CRB2 protein (p.Arg124His). This variant is not present in population databases (gnomAD no frequency). This variant has not been reported in the literature in individuals affected with CRB2-related conditions. ClinVar contains an entry for this variant (Variation ID: 1904630). Invitae Evidence Modeling of protein sequence and biophysical properties (such as structural, functional, and spatial information, amino acid conservation, physicochemical variation, residue mobility, and thermodynamic stability) indicates that this missense variant is not expected to disrupt CRB2 protein function with a negative predictive value of 95%. In summary, the available evidence is currently insufficient to determine the role of this variant in disease. Therefore, it has been classified as a Variant of Uncertain Significance.